The following is an entry in ClinVar:

NM_024642.5(GALNT12):c.1165G>A (p.Asp389Asn)

Gene: GALNT12 (polypeptide N-acetylgalactosaminyltransferase 12; plus strand). Cytogenetic location: 9q22.33.
Variant type: single nucleotide variant.
Coding change: c.1165G>A on transcript NM_024642.5 (MANE Select); coding-DNA position 1165, G replaced by A.
Protein change: p.Asp389Asn; replaces aspartic acid 389 with asparagine.
Molecular consequence: missense variant.
Genome position (GRCh38, 1-based): chr9:98,837,101, G>A. VCF-style: chr9-98837101-G-A. GRCh37 (hg19) VCF-style: chr9-101599383-G-A.
Other names: short protein forms D389N.
Identifiers: ClinVar variation 5022140 (VCV005022140.1).
Genomic context (GRCh38, chr9:98,837,101, plus strand): 5'-GCTCCCTACTCCCGCAACAAGGCTCTGGCCAACAGTGTTCGTGCAGCTGAAGTATGGATG[G>A]ATGAATTTAAAGAGCTCTACTACCATCGCAACCCCCGTGCCCGCTTGGTGAGTTCCTCGG-3'
Protein context (NP_078918.3, residues 379-399): NSVRAAEVWM[Asp389Asn]EFKELYYHRN

ClinVar aggregate classification (germline): Uncertain significance (1 of 4 stars; one submission).

Submission:

Ambry Genetics
Classification: Uncertain significance. Last evaluated: 2026-07-19. Review status: criteria provided, single submitter. Criteria: Ambry Variant Classification Scheme 2023. Collection method: clinical testing. Allele origin: germline.
Comment: The p.D389N variant (also known as c.1165G>A), located in coding exon 6 of the GALNT12 gene, results from a G to A substitution at nucleotide position 1165. The aspartic acid at codon 389 is replaced by asparagine, an amino acid with highly similar properties. This amino acid position is conserved. In addition, the in silico prediction for this alteration is inconclusive. Based on the available evidence, the clinical significance of this variant remains unclear.